The following is an entry in ClinVar:

NM_002225.5(IVD):c.1183C>G (p.Arg395Gly)

Gene: IVD (isovaleryl-CoA dehydrogenase; plus strand). Cytogenetic location: 15q15.1.
Variant type: single nucleotide variant.
Coding change: c.1183C>G on transcript NM_002225.5 (MANE Select); coding-DNA position 1183, C replaced by G.
Protein change: p.Arg395Gly; replaces arginine 395 with glycine.
Molecular consequence: missense variant. On other transcripts: intron variant (3).
Genome position (GRCh38, 1-based): chr15:40,418,174, C>G. VCF-style: chr15-40418174-C-G. GRCh37 (hg19) VCF-style: chr15-40710373-C-G.
Other names: c.1093C>G, p.Arg365Gly (NM_001159508.3); c.1135C>G, p.Arg379Gly (NM_001354597.3); c.1270C>G, p.Arg424Gly (NM_001354599.3); c.1225+1812C>G (NM_001354600.3); c.1138+1812C>G (NM_001354598.3, NM_001354601.3); short protein forms R395G, R365G, R424G, R379G.
Identifiers: ClinVar variation 94052 (VCV000094052.12), dbSNP rs398123681, ClinGen allele CA221933.

ClinVar aggregate classification (germline): Conflicting classifications of pathogenicity. Review status: criteria provided, conflicting classifications (1 of 4 stars). 4 submissions from 4 submitters: Likely pathogenic (3); Uncertain significance (1). Last evaluated 2025-12-05.

Conditions:
Isovaleryl-CoA dehydrogenase deficiency (IVA). Also called: IVD DEFICIENCY; Isovaleric acidemia; Classic Isovaleric Acidemia; ISOVALERIC ACID CoA DEHYDROGENASE DEFICIENCY. Identifiers: Orphanet 33, MedGen C0268575, MONDO:0009475, OMIM 243500.

Allele frequency attached by ClinVar (database versions not stated): gnomAD 0.00003.

Submissions (4):

Natera, Inc.
Classification: Likely pathogenic for Isovaleryl-coa dehydrogenase deficiency. Last evaluated: 2025-12-05. Review status: criteria provided, single submitter. Criteria: Natera Variant Classification Schema (03/2026). Collection method: clinical testing. Allele origin: germline.
Comment: The c.1192C>G variant in IVD is a missense variant predicted to cause substitution of arginine to glycine at amino acid 398. This variant is rare in the general population with a frequency below the threshold expected for the associated phenotype(s). This variant has been observed in one or more individuals affected with the associated recessive disease, as either homozygous or compound heterozygous with a second variant (PMID: 31442447). A different variant at the same position has been determined to be Pathogenic or Likely Pathogenic. Computational prediction algorithms indicate this variant is likely to affect gene or protein function. Given the available evidence, this variant is classified as Likely Pathogenic.

Women's Health and Genetics/Laboratory Corporation of America, LabCorp
Classification: Likely pathogenic for Isovaleryl-CoA dehydrogenase deficiency. Last evaluated: 2025-09-19. Review status: criteria provided, single submitter. Criteria: LabCorp Variant Classification Summary - May 2015. Collection method: clinical testing. Allele origin: germline.
Comment: Variant summary: IVD c.1183C>G (p.Arg395Gly) results in a non-conservative amino acid change in the encoded protein sequence. Algorithms developed to predict the effect of missense changes on protein structure and function all suggest that this variant is likely to be disruptive. The variant allele was found at a frequency of 4e-06 in 251400 control chromosomes. The available data on variant occurrences in the general population are insufficient to allow any conclusion about variant significance. c.1183C>G has been observed in individual(s) affected with Isovaleryl-CoA Dehydrogenase Deficiency (Internal data). These data do not allow any conclusion about variant significance. A different missense variant at this codon (c.1184G>A, p.Arg395Gln) has been classified as likely pathogenic/pathogenic by our laboratory, supporting the critical relevance of codon 395 for IVD protein function. To our knowledge, no experimental evidence demonstrating an impact on protein function has been reported. ClinVar contains an entry for this variant (Variation ID: 94052). Based on the evidence outlined above, the variant was classified as likely pathogenic.

Labcorp Genetics (formerly Invitae), Labcorp
Classification: Likely pathogenic for Isovaleryl-CoA dehydrogenase deficiency. Last evaluated: 2023-09-08. Review status: criteria provided, single submitter. Criteria: Invitae Variant Classification Sherloc (09022015). Collection method: clinical testing. Allele origin: germline.
Comment: In summary, the currently available evidence indicates that the variant is pathogenic, but additional data are needed to prove that conclusively. Therefore, this variant has been classified as Likely Pathogenic. This variant disrupts the p.Arg398 amino acid residue in IVD. Other variant(s) that disrupt this residue have been determined to be pathogenic (PMID: 22960500, 24516753). This suggests that this residue is clinically significant, and that variants that disrupt this residue are likely to be disease-causing. An algorithm developed to predict the effect of missense changes on protein structure and function (PolyPhen-2) suggests that this variant is likely to be disruptive. ClinVar contains an entry for this variant (Variation ID: 94052). This missense change has been observed in individual(s) with clinical features of isovaleric acidemia (Invitae). In at least one individual the data is consistent with being in trans (on the opposite chromosome) from a pathogenic variant. This variant is present in population databases (rs398123681, gnomAD 0.002%). This sequence change replaces arginine, which is basic and polar, with glycine, which is neutral and non-polar, at codon 398 of the IVD protein (p.Arg398Gly).

Eurofins Ntd Llc (ga)
Classification: Uncertain significance. Last evaluated: 2013-08-21. Review status: criteria provided, single submitter. Criteria: EGL Classification Definitions 2015. Collection method: clinical testing. Allele origin: germline. Observed: 1 variant allele, 1 heterozygote.

Literature cited by the submitters: PubMed 31442447 (cited by Natera, Inc.); PubMed 22960500 (cited by Labcorp Genetics (formerly Invitae), Labcorp); PubMed 24516753 (cited by Labcorp Genetics (formerly Invitae), Labcorp).